The following is an entry in ClinVar:

ClinVar aggregate classification (germline): Uncertain significance (1 of 4 stars; one submission).

Allele frequency attached by ClinVar (database versions not stated): TOPMed below 0.00001; gnomAD 0.00001.
gnomAD v4.1: 2 of 1,614,004 alleles (0.00012%); highest among the groups gnomAD compares: East Asian, 0.0045%; no homozygotes.

Submission:

Ambry Genetics
Classification: Uncertain significance. Last evaluated: 2021-08-08. Review status: criteria provided, single submitter. Criteria: Ambry Variant Classification Scheme 2023. Collection method: clinical testing. Allele origin: germline.
Comment: The p.S82C variant (also known as c.244A>T), located in coding exon 3 of the NQO1 gene, results from an A to T substitution at nucleotide position 244. The serine at codon 82 is replaced by cysteine, an amino acid with dissimilar properties. This amino acid position is conserved. In addition, this alteration is predicted to be tolerated by in silico analysis. Since supporting evidence is limited at this time, the clinical significance of this alteration remains unclear.

NM_000903.3(NQO1):c.244A>T (p.Ser82Cys)

Gene: NQO1 (NAD(P)H quinone dehydrogenase 1; minus strand). Cytogenetic location: 16q22.1.
Variant type: single nucleotide variant.
Coding change: c.244A>T on transcript NM_000903.3 (MANE Select); coding-DNA position 244, A replaced by T.
Protein change: p.Ser82Cys; replaces serine 82 with cysteine.
Molecular consequence: missense variant.
Genome position (GRCh38, 1-based): chr16:69,718,182, T>A on the plus strand (A>T on the coding strand, the complement: NQO1 is on the minus strand). VCF-style: chr16-69718182-T-A. GRCh37 (hg19) VCF-style: chr16-69752085-T-A.
Other names: c.244A>T, p.Ser82Cys (NM_001025433.2, NM_001025434.2, NM_001286137.2); short protein forms S82C.
Identifiers: ClinVar variation 1791452 (VCV001791452.2), dbSNP rs369179544, ClinGen allele CA8136276.